The following is an entry in ClinVar:

NM_001572.5(IRF7):c.1357-43A>C

Gene: IRF7 (interferon regulatory factor 7; minus strand). Cytogenetic location: 11p15.5.
Variant type: single nucleotide variant.
Coding change: c.1357-43A>C on transcript NM_001572.5 (MANE Select); 43 bases into the intron before coding-DNA position 1357, A replaced by C.
Molecular consequence: intron variant.
Genome position (GRCh38, 1-based): chr11:612,843, T>G on the plus strand (A>C on the coding strand, the complement: IRF7 is on the minus strand). VCF-style: chr11-612843-T-G. GRCh37 (hg19) VCF-style: chr11-612843-T-G.
Other names: c.1270-43A>C (NM_004029.4); c.1396-43A>C (NM_004031.4).
Identifiers: ClinVar variation 1185462 (VCV001185462.5), dbSNP rs10902178, ClinGen allele CA5783477.
Genomic context (GRCh38, chr11:612,843, plus strand): 5'-GCACAGCCAGGGTTCCAGCTGCCAGGAGGGATCGGGCGTCTGTCAGTGACCCGGCGTGTG[T>G]CCTCCCCTCCCCCTCCCCAGGCTCTGAGGGCGTCGGGCGTCTGTCAGTGACCCGGTGTAT-3'

ClinVar aggregate classification (germline): Benign. Review status: criteria provided, multiple submitters, no conflicts (2 of 4 stars). 3 submissions from 3 submitters: Benign (3). Last evaluated 2024-01-24.

Conditions:
Immunodeficiency 39 (IMD39). Identifiers: Orphanet 574918, MedGen C4225358, MONDO:0014597, OMIM 616345.

Allele frequency attached by ClinVar (database versions not stated): gnomAD exomes 0.25527 and 0.26528; ExAC 0.25547; 1000 Genomes Project 0.27556; 1000 Genomes Project 30x 0.28560; gnomAD 0.32590 and 0.33793; TOPMed 0.34556; ESP Exome Variant Server 0.37087.
gnomAD v4.1: 433,420 of 1,597,786 alleles (27%); highest among the groups gnomAD compares: African/African-American, 52%; 64,101 homozygotes.

Submissions (3):

Unidad de Genómica Garrahan, Hospital de Pediatría Garrahan
Classification: Benign. Last evaluated: 2024-01-24. Review status: criteria provided, single submitter. Criteria: ACMG Guidelines, 2015. Collection method: clinical testing. Allele origin: germline. Affected: no. Observed: 56 variant alleles.
Comment: This variant is classified as Benign based on local population frequency. This variant was detected in 59% of patients studied by a panel of primary immunodeficiencies. Number of patients: 56. Only high quality variants are reported.

Genome-Nilou Lab
Classification: Benign for Immunodeficiency 39. Last evaluated: 2021-07-14. Review status: criteria provided, single submitter. Criteria: ACMG Guidelines, 2015. Collection method: clinical testing. Allele origin: germline. Affected: no.

Breakthrough Genomics
Classification: Benign. Review status: criteria provided, single submitter. Criteria: ACMG Guidelines, 2015. Collection method: not provided. Allele origin: germline. Inheritance: Autosomal recessive inheritance. Affected: yes.